The following is an entry in ClinVar:

ClinVar aggregate classification (germline): Uncertain significance (1 of 4 stars; one submission).

Submission:

GeneDx
Classification: Uncertain significance. Last evaluated: 2017-02-03. Review status: criteria provided, single submitter. Criteria: GeneDx Variant Classification (06012015). Collection method: clinical testing. Allele origin: germline. Affected: yes.
Comment: A variant of uncertain significance has been identified in the CHD2 gene. The A929P variant has not been published as a pathogenic variant, nor has it been reported as a benign variant to our knowledge. The A929P variant is not observed in large population cohorts (Lek et al., 2016; 1000 Genomes Consortium et al., 2015; Exome Variant Server). The A929P variant is a semi-conservative amino acid substitution, which may impact secondary protein structure as these residues differ in some properties. This substitution occurs at a position that is conserved across species and in silico analysis predicts this variant is probably damaging to the protein structure/function. However, missense variants in nearby residues have not been reported in Human Gene Mutation Database in association with CHD2-related disorders (Stenson et al., 2014). Therefore, based on the currently available information, it is unclear whether this variant is a pathogenic variant or a rare benign variant.

NM_001271.4(CHD2):c.2785G>C (p.Ala929Pro)

Gene: CHD2 (chromodomain helicase DNA binding protein 2; plus strand). Cytogenetic location: 15q26.1.
Variant type: single nucleotide variant.
Coding change: c.2785G>C on transcript NM_001271.4 (MANE Select); coding-DNA position 2785, G replaced by C.
Protein change: p.Ala929Pro; replaces alanine 929 with proline.
Molecular consequence: missense variant.
Genome position (GRCh38, 1-based): chr15:92,979,192, G>C. VCF-style: chr15-92979192-G-C. GRCh37 (hg19) VCF-style: chr15-93522422-G-C.
Other names: short protein forms A929P.
Identifiers: ClinVar variation 423355 (VCV000423355.2), dbSNP rs1064796378, ClinGen allele CA16620048.